The following is an entry in ClinVar:

ClinVar aggregate classification (germline): Uncertain significance (1 of 4 stars; one submission).

Submission:

Greenwood Genetic Center Diagnostic Laboratories, Greenwood Genetic Center
Classification: Uncertain significance. Last evaluated: 2023-05-10. Review status: criteria provided, single submitter. Criteria: ACMG Guidelines, 2015. Collection method: clinical testing. Allele origin: germline. Affected: yes.
Comment: PM2, BP7

NM_020702.5(MYORG):c.567C>G (p.Ala189=)

Gene: MYORG (myogenesis regulating glycosidase; minus strand). Cytogenetic location: 9p13.3.
Variant type: single nucleotide variant.
Coding change: c.567C>G on transcript NM_020702.5 (MANE Select); coding-DNA position 567, C replaced by G.
Protein change: p.Ala189=; no amino-acid change (alanine 189 retained).
Molecular consequence: synonymous variant.
Genome position (GRCh38, 1-based): chr9:34,372,377, G>C on the plus strand (C>G on the coding strand, the complement: MYORG is on the minus strand). VCF-style: chr9-34372377-G-C. GRCh37 (hg19) VCF-style: chr9-34372375-G-C.
Identifiers: ClinVar variation 2572208 (VCV002572208.1), dbSNP rs1294482613, ClinGen allele CA464593518.